The following is an entry in ClinVar:

NM_004369.4(COL6A3):c.5129T>C (p.Val1710Ala)

Gene: COL6A3 (collagen type VI alpha 3 chain; minus strand). Cytogenetic location: 2q37.3.
Variant type: single nucleotide variant.
Coding change: c.5129T>C on transcript NM_004369.4 (MANE Select); coding-DNA position 5129, T replaced by C.
Protein change: p.Val1710Ala; replaces valine 1710 with alanine.
Molecular consequence: missense variant.
Genome position (GRCh38, 1-based): chr2:237,367,058, A>G on the plus strand (T>C on the coding strand, the complement: COL6A3 is on the minus strand). VCF-style: chr2-237367058-A-G. GRCh37 (hg19) VCF-style: chr2-238275701-A-G.
Other names: c.3308T>C, p.Val1103Ala (NM_057166.5); c.4511T>C, p.Val1504Ala (NM_057167.4); short protein forms V1103A, V1504A, V1710A.
Identifiers: ClinVar variation 5040692 (VCV005040692.1).

ClinVar aggregate classification (germline): Uncertain significance (1 of 4 stars; one submission).

gnomAD v4.1: 3 of 1,614,200 alleles (0.00019%); highest among the groups gnomAD compares: Non-Finnish European, 0.00025%; no homozygotes.

Submission:

CeGaT Center for Human Genetics Tuebingen
Classification: Uncertain significance. Last evaluated: 2026-08-01. Review status: criteria provided, single submitter. Criteria: CeGaT Center For Human Genetics Tuebingen Variant Classification Criteria Version 2. Collection method: clinical testing. Allele origin: germline. Affected: yes. Observed: 1 variant allele.
Comment: COL6A3: PM2, BP4